The following is an entry in ClinVar:

NC_000012.12:g.121641087C>G

Gene: ORAI1 (ORAI calcium release-activated calcium modulator 1; plus strand). Cytogenetic location: 12q24.31.
Variant type: single nucleotide variant.
Genome position: GRCh38 VCF-style: chr12-121641087-C-G. GRCh37 (hg19) VCF-style: chr12-122078993-C-G.
Other names: c.350C>G, p.Pro117Arg (NM_032790.4); short protein forms P117R.
Identifiers: ClinVar variation 1374333 (VCV001374333.6), dbSNP rs782088694, ClinGen allele CA386982947.

ClinVar aggregate classification (germline): Uncertain significance (1 of 4 stars; one submission).

Conditions:
Combined immunodeficiency due to ORAI1 deficiency. Also called: IMMUNODEFICIENCY 9. Identifiers: Orphanet 169090, Orphanet 317428, MedGen C2748568, MONDO:0013007, OMIM 612782.
Myopathy, tubular aggregate, 2 (TAM2). Identifiers: MedGen C4014557, MONDO:0014383, OMIM 615883.

Submission:

Labcorp Genetics (formerly Invitae), Labcorp
Classification: Uncertain significance for Myopathy, tubular aggregate, 2; Combined immunodeficiency due to ORAI1 deficiency. Last evaluated: 2023-08-24. Review status: criteria provided, single submitter. Criteria: Invitae Variant Classification Sherloc (09022015). Collection method: clinical testing. Allele origin: germline.
Comment: ClinVar contains an entry for this variant (Variation ID: 1374333). In summary, the available evidence is currently insufficient to determine the role of this variant in disease. Therefore, it has been classified as a Variant of Uncertain Significance. Experimental studies and prediction algorithms are not available or were not evaluated, and the functional significance of this variant is currently unknown. This sequence change replaces proline with arginine at codon 117 of the ORAI1 protein (p.Pro117Arg). The proline residue is highly conserved and there is a moderate physicochemical difference between proline and arginine. This variant is not present in population databases (gnomAD no frequency). This variant has not been reported in the literature in individuals affected with ORAI1-related conditions.